The following is an entry in ClinVar:

NM_015335.5(MED13L):c.5084C>A (p.Ser1695Tyr)

Gene: MED13L (mediator complex subunit 13L; minus strand). Cytogenetic location: 12q24.21.
Variant type: single nucleotide variant.
Coding change: c.5084C>A on transcript NM_015335.5 (MANE Select); coding-DNA position 5084, C replaced by A.
Protein change: p.Ser1695Tyr; replaces serine 1695 with tyrosine.
Molecular consequence: missense variant.
Genome position (GRCh38, 1-based): chr12:115,982,475, G>T on the plus strand (C>A on the coding strand, the complement: MED13L is on the minus strand). VCF-style: chr12-115982475-G-T. GRCh37 (hg19) VCF-style: chr12-116420280-G-T.
Other names: short protein forms S1695Y.
Identifiers: ClinVar variation 1306307 (VCV001306307.2), dbSNP rs775457796, ClinGen allele CA386881188.

ClinVar aggregate classification (germline): Uncertain significance (1 of 4 stars; one submission).

gnomAD v4.1: 1 of 1,614,164 alleles (0.000062%); highest among the groups gnomAD compares: East Asian, 0.0022%; no homozygotes.

Submission:

GeneDx
Classification: Uncertain significance. Last evaluated: 2019-06-05. Review status: criteria provided, single submitter. Criteria: GeneDx Variant Classification Process June 2021. Collection method: clinical testing. Allele origin: germline. Affected: yes.
Comment: Not observed in large population cohorts (Lek et al., 2016); In silico analysis, which includes protein predictors and evolutionary conservation, supports that this variant does not alter protein structure/function; Has not been previously published as pathogenic or benign to our knowledge